The following is an entry in ClinVar:

ClinVar aggregate classification (germline): Uncertain significance. Review status: criteria provided, multiple submitters, no conflicts (2 of 4 stars). 3 submissions from 3 submitters: Uncertain significance (3). Last evaluated 2024-03-05.

Conditions:
Neuropathy, hereditary sensory and autonomic, type 2A (HSAN2A). Also called: ACROOSTEOLYSIS, GIACCAI TYPE; ACROOSTEOLYSIS, NEUROGENIC; MORVAN DISEASE; NEUROPATHY, CONGENITAL SENSORY; NEUROPATHY, HEREDITARY SENSORY RADICULAR, AUTOSOMAL RECESSIVE; NEUROPATHY, HEREDITARY SENSORY, TYPE IIA. Identifiers: Orphanet 970, MedGen C2752089, MONDO:0024309, OMIM 201300.
Pseudohypoaldosteronism type 2C (PHA2C). Also called: Pseudohypoaldosteronism Type IIC. Identifiers: Orphanet 757, Orphanet 88940, MedGen C1840391, MONDO:0013778, OMIM 614492.
Inborn genetic diseases. Identifiers: MedGen C0950123, MeSH D030342.

Allele frequency attached by ClinVar (database versions not stated): gnomAD exomes 0.00001 and 0.00003; ExAC 0.00002; gnomAD 0.00002 and 0.00003; TOPMed 0.00002; 1000 Genomes Project 0.00020; 1000 Genomes Project 30x 0.00031.
gnomAD v4.1: 19 of 1,614,140 alleles (0.0012%); highest among the groups gnomAD compares: East Asian, 0.027%; no homozygotes.

Submissions (3):

Labcorp Genetics (formerly Invitae), Labcorp
Classification: Uncertain significance for Neuropathy, hereditary sensory and autonomic, type 2A; Pseudohypoaldosteronism type 2C. Last evaluated: 2024-03-05. Review status: criteria provided, single submitter. Criteria: Invitae Variant Classification Sherloc (09022015). Collection method: clinical testing. Allele origin: germline.
Comment: This sequence change replaces histidine, which is basic and polar, with glutamine, which is neutral and polar, at codon 681 of the WNK1 protein (p.His681Gln). This variant is present in population databases (rs180681076, gnomAD 0.05%). This variant has not been reported in the literature in individuals affected with WNK1-related conditions. ClinVar contains an entry for this variant (Variation ID: 1431923). Advanced modeling of protein sequence and biophysical properties (such as structural, functional, and spatial information, amino acid conservation, physicochemical variation, residue mobility, and thermodynamic stability) performed at Invitae indicates that this missense variant is not expected to disrupt WNK1 protein function with a negative predictive value of 95%. In summary, the available evidence is currently insufficient to determine the role of this variant in disease. Therefore, it has been classified as a Variant of Uncertain Significance.

Fulgent Genetics
Classification: Uncertain significance for Neuropathy, hereditary sensory and autonomic, type 2A; Pseudohypoaldosteronism type 2C. Last evaluated: 2022-01-04. Review status: criteria provided, single submitter. Criteria: ACMG Guidelines, 2015. Collection method: clinical testing. Allele origin: unknown.

Ambry Genetics
Classification: Uncertain significance for Inborn genetic diseases. Last evaluated: 2021-06-14. Review status: criteria provided, single submitter. Criteria: Ambry Variant Classification Scheme 2023. Collection method: clinical testing. Allele origin: germline.
Comment: The p.H681Q variant (also known as c.2043T>G), located in coding exon 8 of the WNK1 gene, results from a T to G substitution at nucleotide position 2043. The histidine at codon 681 is replaced by glutamine, an amino acid with highly similar properties. This amino acid position is highly conserved in available vertebrate species. In addition, this alteration is predicted to be tolerated by in silico analysis. Since supporting evidence is limited at this time, the clinical significance of this alteration remains unclear.

NM_018979.4(WNK1):c.2043T>G (p.His681Gln)

Gene: WNK1 (WNK lysine deficient protein kinase 1; plus strand). Cytogenetic location: 12p13.33.
Variant type: single nucleotide variant.
Coding change: c.2043T>G on transcript NM_018979.4 (MANE Select); coding-DNA position 2043, T replaced by G.
Protein change: p.His681Gln; replaces histidine 681 with glutamine.
Molecular consequence: missense variant.
Genome position (GRCh38, 1-based): chr12:862,174, T>G. VCF-style: chr12-862174-T-G. GRCh37 (hg19) VCF-style: chr12-971340-T-G.
Other names: c.2043T>G, p.His681Gln (NM_001184985.2, NM_014823.3, NM_213655.5); short protein forms H681Q.
Identifiers: ClinVar variation 1431923 (VCV001431923.10), dbSNP rs180681076, ClinGen allele CA6382094.
Genomic context (GRCh38, chr12:862,174, plus strand): 5'-CTCTGTCTTCACAGAATCTCGAGTGAGCAGCCAACAGACAGTTTCATATGGTTCCCAACA[T>G]GAACAGGCACATTCTACAGGCACAGTCCCAGGGCATATACCTTCTACTGTCCAAGCACAG-3'
Protein context (NP_061852.3, residues 671-691): SQQTVSYGSQ[His681Gln]EQAHSTGTVP